The following is an entry in ClinVar:

NM_000168.6(GLI3):c.1111G>C (p.Gly371Arg)

Gene: GLI3 (GLI family zinc finger 3; minus strand). Cytogenetic location: 7p14.1.
Variant type: single nucleotide variant.
Coding change: c.1111G>C on transcript NM_000168.6 (MANE Select); coding-DNA position 1111, G replaced by C.
Protein change: p.Gly371Arg; replaces glycine 371 with arginine.
Molecular consequence: missense variant.
Genome position (GRCh38, 1-based): chr7:42,026,330, C>G on the plus strand (G>C on the coding strand, the complement: GLI3 is on the minus strand). VCF-style: chr7-42026330-C-G. GRCh37 (hg19) VCF-style: chr7-42065929-C-G.
Other names: short protein forms G371R.
Identifiers: ClinVar variation 449259 (VCV000449259.2), dbSNP rs143523044, ClinGen allele CA4230946.
Genomic context (GRCh38, chr7:42,026,330, plus strand): 5'-TCTGTGTTGGAAAAGTTGGGGCAGGGTGGATGAGTGGAGGGCTGTGTCCAAAGGCTGAAC[C>G]TAAGCTCTGTTGTCGGCTTAGGATCTGCTGATGCATGTGGAGAGAGACGGGCGCGGAAGA-3'
Protein context (NP_000159.3, residues 361-381): QQILSRQQSL[Gly371Arg]SAFGHSPPLI

ClinVar aggregate classification (germline): Uncertain significance (1 of 4 stars; one submission).

Allele frequency attached by ClinVar (database versions not stated): ESP Exome Variant Server 0.00008.
gnomAD v4.1: 8 of 1,614,180 alleles (0.0005%); highest among the groups gnomAD compares: Non-Finnish European, 0.00068%; no homozygotes.

Submission:

GeneDx
Classification: Uncertain significance. Last evaluated: 2015-09-28. Review status: criteria provided, single submitter. Criteria: GeneDx Variant Classification (06012015). Collection method: clinical testing. Allele origin: germline. Affected: yes.
Comment: The I808M missense change was previously identified in an individual with Greig cephalopolysyndactylysyndrome; however, parental studies were not performed (Kalff-Suske et al., 1999). Functional studiessuggest that this missense change results in altered subcellular localization of the GLI3 protein and areduction of its transcriptional activity (Krauss et al., 2009). The NHLBI Exome Sequencing Project andthe 1000 Genomes Project report I808M was observed in 0.3-0.5% of alleles from European populations,indicating it may be a rare (benign) variant in this population. The I808M variant is a conservative aminoacid substitution, which is not likely to impact secondary protein structure as these residues share similarproperties. This substitution occurs at a position that is conserved in some mammals and in silico analysis isinconsistent in its predictions as to whether or not the variant is damaging to the protein structure/function.Based on the available information, it is unclear whether this variant is a pathogenic variant or a rarebenign variant.